The following is an entry in ClinVar:

NM_012418.4(FSCN2):c.1217G>C (p.Arg406Pro)

Gene: FSCN2 (fascin actin-bundling protein 2, retinal; plus strand). Cytogenetic location: 17q25.3.
Variant type: single nucleotide variant.
Coding change: c.1217G>C on transcript NM_012418.4 (MANE Select); coding-DNA position 1217, G replaced by C.
Protein change: p.Arg406Pro; replaces arginine 406 with proline.
Molecular consequence: missense variant.
Genome position (GRCh38, 1-based): chr17:81,536,733, G>C. VCF-style: chr17-81536733-G-C. GRCh37 (hg19) VCF-style: chr17-79503759-G-C.
Other names: c.1289G>C (NM_001077182.2); c.1289G>C, p.Arg430Pro (NM_001077182.3); short protein forms R406P, R430P.
Identifiers: ClinVar variation 1486776 (VCV001486776.9), dbSNP rs750102960, ClinGen allele CA8837042.

ClinVar aggregate classification (germline): Uncertain significance. Review status: criteria provided, multiple submitters, no conflicts (2 of 4 stars). 2 submissions from 2 submitters: Uncertain significance (2). Last evaluated 2025-06-25.

Allele frequency attached by ClinVar (database versions not stated): ExAC 0.00001; gnomAD exomes 0.00001.
gnomAD v4.1: 19 of 1,610,954 alleles (0.0012%); highest among the groups gnomAD compares: Non-Finnish European, 0.001%; no homozygotes.

Submissions (2):

Ambry Genetics
Classification: Uncertain significance. Last evaluated: 2025-06-25. Review status: criteria provided, single submitter. Criteria: Ambry Variant Classification Scheme 2023. Collection method: clinical testing. Allele origin: germline.

Labcorp Genetics (formerly Invitae), Labcorp
Classification: Uncertain significance. Last evaluated: 2024-11-05. Review status: criteria provided, single submitter. Criteria: Invitae Variant Classification Sherloc (09022015). Collection method: clinical testing. Allele origin: germline.
Comment: This sequence change replaces arginine, which is basic and polar, with proline, which is neutral and non-polar, at codon 430 of the FSCN2 protein (p.Arg430Pro). This variant is present in population databases (rs750102960, gnomAD 0.005%). This variant has not been reported in the literature in individuals affected with FSCN2-related conditions. ClinVar contains an entry for this variant (Variation ID: 1486776). An algorithm developed to predict the effect of missense changes on protein structure and function (PolyPhen-2) suggests that this variant is likely to be disruptive. In summary, the available evidence is currently insufficient to determine the role of this variant in disease. Therefore, it has been classified as a Variant of Uncertain Significance.